The following is an entry in ClinVar:

ClinVar aggregate classification (germline): Uncertain significance (1 of 4 stars; one submission).

Conditions:
Encephalopathy, acute, infection-induced (herpes-specific), susceptibility to, 1. Also called: Herpes simplex encephalitis, susceptibility to, 1. Identifiers: Orphanet 1930, MedGen C2750180, MONDO:0024563, OMIM 610551.

Allele frequency attached by ClinVar (database versions not stated): gnomAD exomes 0.00001 and 0.00002; gnomAD 0.00016 and 0.00013; ExAC 0.00003; 1000 Genomes Project below 0.00001; TOPMed 0.00012.
gnomAD v4.1: 36 of 1,614,072 alleles (0.0022%); highest among the groups gnomAD compares: African/African-American, 0.041%; no homozygotes.

Submission:

Labcorp Genetics (formerly Invitae), Labcorp
Classification: Uncertain significance for Encephalopathy, acute, infection-induced (herpes-specific), susceptibility to, 1. Last evaluated: 2026-01-06. Review status: criteria provided, single submitter. Criteria: Invitae Variant Classification Sherloc (09022015). Collection method: clinical testing. Allele origin: germline.
Comment: This sequence change replaces arginine, which is basic and polar, with glycine, which is neutral and non-polar, at codon 791 of the TLR3 protein (p.Arg791Gly). This variant is present in population databases (rs200214332, gnomAD 0.04%). This variant has not been reported in the literature in individuals affected with TLR3-related conditions. ClinVar contains an entry for this variant (Variation ID: 641529). An algorithm developed to predict the effect of missense changes on protein structure and function (PolyPhen-2) suggests that this variant is likely to be disruptive. In summary, the available evidence is currently insufficient to determine the role of this variant in disease. Therefore, it has been classified as a Variant of Uncertain Significance.

NM_003265.3(TLR3):c.2371A>G (p.Arg791Gly)

Gene: TLR3 (toll like receptor 3; plus strand). Cytogenetic location: 4q35.1.
Variant type: single nucleotide variant.
Coding change: c.2371A>G on transcript NM_003265.3 (MANE Select); coding-DNA position 2371, A replaced by G.
Protein change: p.Arg791Gly; replaces arginine 791 with glycine.
Molecular consequence: missense variant.
Genome position (GRCh38, 1-based): chr4:186,084,057, A>G. VCF-style: chr4-186084057-A-G. GRCh37 (hg19) VCF-style: chr4-187005211-A-G.
Other names: short protein forms R791G.
Identifiers: ClinVar variation 641529 (VCV000641529.11), dbSNP rs200214332, ClinGen allele CA3161556.
Genomic context (GRCh38, chr4:186,084,057, plus strand): 5'-TGGGAACATTTCTCTTCAATGGAAAAGGAAGACCAATCTCTCAAATTTTGTCTGGAAGAA[A>G]GGGACTTTGAGGCGGGTGTTTTTGAACTAGAAGCAATTGTTAACAGCATCAAAAGAAGCA-3'
Protein context (NP_003256.1, residues 781-801): DQSLKFCLEE[Arg791Gly]DFEAGVFELE